The following is an entry in ClinVar:

ClinVar aggregate classification (germline): Pathogenic/Likely pathogenic. Review status: criteria provided, multiple submitters, no conflicts (2 of 4 stars). 7 submissions from 7 submitters: Pathogenic (1); Likely pathogenic (4). 2 of the submissions do not count toward it. Last evaluated 2026-01-23.

Conditions:
Methylmalonic aciduria, cblB type (MACB). Also called: METHYLMALONIC ACIDURIA, VITAMIN B12-RESPONSIVE, DUE TO DEFECT IN SYNTHESIS OF ADENOSYLCOBALAMIN, cblB TYPE; Vitamin B12-responsive methylmalonic acidemia type cblB; Methylmalonic acidemia cblB type. Identifiers: Orphanet 28, Orphanet 79311, MedGen C1855102, MONDO:0009614, OMIM 251110.

Allele frequency attached by ClinVar (database versions not stated): gnomAD 0.00005; ExAC 0.00002; gnomAD exomes 0.00002 and 0.00003; TOPMed 0.00002.
gnomAD v4.1: 45 of 1,610,614 alleles (0.0028%); highest among the groups gnomAD compares: African/African-American, 0.011%; no homozygotes.

Submissions (7):

Natera, Inc.
Classification: Likely pathogenic for Methylmalonic aciduria cblB type. Last evaluated: 2026-01-23. Review status: criteria provided, single submitter. Criteria: Natera Variant Classification Schema (03/2026). Collection method: clinical testing. Allele origin: germline.
Comment: The c.562G>A variant in MMAB is a missense variant predicted to cause substitution of valine to methionine at amino acid 188. This variant is rare in the general population with a frequency below the threshold expected for the associated phenotype(s). This variant has been observed in one or more individuals affected with the associated recessive disease, as either homozygous or compound heterozygous with a second variant (PMID: 34796408, 31622506). Computational prediction algorithms indicate this variant is likely to affect gene or protein function. Given the available evidence, this variant is classified as Likely Pathogenic.

Myriad Genetics, Inc.
Classification: Likely pathogenic for Methylmalonic aciduria, cblB type. Last evaluated: 2025-04-15. Review status: criteria provided, single submitter. Criteria: Myriad Autosomal Dominant, Autosomal Recessive and X-Linked Classification Criteria (2023). Collection method: clinical testing. Allele origin: unknown.
Comment: NM_052845.3(MMAB):c.562G>A(V188M) is a missense variant classified as likely pathogenic in the context of methylmalonic acidemia, cblB type. V188M has been observed in cases with relevant disease (PMID: 25760844, 34796408, Aljishi_2019_(Article)). Relevant functional assessments of this variant are not available in the literature. Internal structural analysis of the variant is supportive of pathogenicity. V188M has been observed in referenced population frequency databases. In summary, NM_052845.3(MMAB):c.562G>A(V188M) is a missense variant that has internal structural support for pathogenicity and has been observed more frequently in cases with the relevant disease than in healthy populations. Please note: this variant was assessed in the context of healthy population screening.

Genomic Medicine Center of Excellence, King Faisal Specialist Hospital and Research Centre
Classification: Likely pathogenic for Methylmalonic aciduria, cblB type. Last evaluated: 2024-12-19. Review status: criteria provided, single submitter. Criteria: ACMG Guidelines, 2015. Collection method: clinical testing. Allele origin: germline.

Fulgent Genetics
Classification: Likely pathogenic for Methylmalonic aciduria, cblB type. Last evaluated: 2024-05-15. Review status: criteria provided, single submitter. Criteria: ACMG Guidelines, 2015. Collection method: clinical testing. Allele origin: germline.

Labcorp Genetics (formerly Invitae), Labcorp
Classification: Pathogenic for Methylmalonic aciduria, cblB type. Last evaluated: 2023-08-14. Review status: criteria provided, single submitter. Criteria: Invitae Variant Classification Sherloc (09022015). Collection method: clinical testing. Allele origin: germline.
Comment: This variant is present in population databases (rs768176676, gnomAD 0.01%). This missense change has been observed in individual(s) with methylmalonic aciduria cobalamin B type (PMID: 25760844, 34796408; Invitae). In at least one individual the data is consistent with being in trans (on the opposite chromosome) from a pathogenic variant. This sequence change replaces valine, which is neutral and non-polar, with methionine, which is neutral and non-polar, at codon 188 of the MMAB protein (p.Val188Met). ClinVar contains an entry for this variant (Variation ID: 551432). Advanced modeling of protein sequence and biophysical properties (such as structural, functional, and spatial information, amino acid conservation, physicochemical variation, residue mobility, and thermodynamic stability) performed at Invitae indicates that this missense variant is not expected to disrupt MMAB protein function. For these reasons, this variant has been classified as Pathogenic.

Baumgartner lab, University Children's Hospital Zurich
Classification: Pathogenic for Methylmalonic aciduria, cblB type. Last evaluated: 2021-06-01. Review status: no assertion criteria provided. Collection method: clinical testing. Allele origin: germline. Affected: yes. Not counted in ClinVar's aggregate classification.

Counsyl
Classification: Uncertain significance for Methylmalonic aciduria, cblB type. Last evaluated: 2017-04-10. Review status: no assertion criteria provided. Collection method: clinical testing. Allele origin: unknown. Not counted in ClinVar's aggregate classification.

Literature cited by the submitters: PubMed 34796408 (cited by Natera, Inc. and Labcorp Genetics (formerly Invitae), Labcorp); PubMed 31622506 (cited by Natera, Inc.); PubMed 25760844 (cited by Labcorp Genetics (formerly Invitae), Labcorp and Counsyl).

NM_052845.4(MMAB):c.562G>A (p.Val188Met)

Gene: MMAB (metabolism of cobalamin associated B; minus strand). Cytogenetic location: 12q24.11.
Variant type: single nucleotide variant.
Coding change: c.562G>A on transcript NM_052845.4 (MANE Select); coding-DNA position 562, G replaced by A.
Protein change: p.Val188Met; replaces valine 188 with methionine.
Molecular consequence: missense variant. On other transcripts: non-coding transcript variant (1).
Genome position (GRCh38, 1-based): chr12:109,561,062, C>T on the plus strand (G>A on the coding strand, the complement: MMAB is on the minus strand). VCF-style: chr12-109561062-C-T. GRCh37 (hg19) VCF-style: chr12-109998867-C-T.
Other names: short protein forms V188M.
Identifiers: ClinVar variation 551432 (VCV000551432.15), dbSNP rs768176676, ClinGen allele CA6778828.
Genomic context (GRCh38, chr12:109,561,062, plus strand): 5'-TCTCCCTTGGGCCCTCTCCCTCTCTCCAGCCCTCTTACCGTCTCTCGGCCCGGCGGCACA[C>T]GGCCCGGCAGAAATGCAGCGCCGAGCTGATCTTGCCTCCCGACTGAAAGGAGAAAGGGAC-3'
Protein context (NP_443077.1, residues 178-198): ISSALHFCRA[Val188Met]CRRAERRVVP